The following is an entry in ClinVar:

ClinVar aggregate classification (germline): Uncertain significance (1 of 4 stars; one submission).

Submission:

Labcorp Genetics (formerly Invitae), Labcorp
Classification: Uncertain significance. Last evaluated: 2025-12-15. Review status: criteria provided, single submitter. Criteria: Invitae Variant Classification Sherloc (09022015). Collection method: clinical testing. Allele origin: germline.
Comment: This sequence change affects codon 77 of the ATOH7 mRNA. It is a 'silent' change, meaning that it does not change the encoded amino acid sequence of the ATOH7 protein. This variant is present in population databases (rs757886348, gnomAD 0.01%). This variant has not been reported in the literature in individuals affected with ATOH7-related conditions. ClinVar contains an entry for this variant (Variation ID: 3677982). In summary, the available evidence is currently insufficient to determine the role of this variant in disease. Therefore, it has been classified as a Variant of Uncertain Significance.

NM_145178.4(ATOH7):c.231C>T (p.Ser77=)

Gene: ATOH7 (atonal bHLH transcription factor 7; minus strand). Cytogenetic location: 10q21.3.
Variant type: single nucleotide variant.
Coding change: c.231C>T on transcript NM_145178.4 (MANE Select); coding-DNA position 231, C replaced by T.
Protein change: p.Ser77=; no amino-acid change (serine 77 retained).
Molecular consequence: synonymous variant.
Genome position (GRCh38, 1-based): chr10:68,231,447, G>A on the plus strand (C>T on the coding strand, the complement: ATOH7 is on the minus strand). VCF-style: chr10-68231447-G-A. GRCh37 (hg19) VCF-style: chr10-69991204-G-A.
Identifiers: ClinVar variation 3677982 (VCV003677982.2).